The following is an entry in ClinVar:

NM_001379200.1(TBX1):c.1361_1375del (p.Gly454_His458del)

Gene: TBX1 (T-box transcription factor 1; plus strand). Cytogenetic location: 22q11.21.
Variant type: Deletion.
Coding change: c.1361_1375del on transcript NM_001379200.1 (MANE Select); coding-DNA positions 1361 to 1375, 15 bases deleted (GCTACCACCCGCACG).
Protein change: p.Gly454_His458del.
Molecular consequence: inframe deletion. On other transcripts: intron variant (2).
Genome position (GRCh38, 1-based): chr22:19,766,713-19,766,727, GCTACCACCCGCACG deleted; deleting any 15 consecutive bases within chr22:19,766,709-19,766,727 gives the same sequence; the c. name uses the placement nearest the transcript's 3' end. VCF-style (leftmost placement, unchanged base first): chr22-19766708-CCACGGCTACCACCCG-C. GRCh37 (hg19) VCF-style: chr22-19754231-CCACGGCTACCACCCG-C.
Other names: c.1334_1348del, p.Gly445_His449del (NM_080647.1); c.1009+711_1009+725del (NM_005992.1, NM_080646.2); c.1334_1348del15 (NM_080647.1).
Identifiers: ClinVar variation 2195817 (VCV002195817.5), dbSNP rs2517859124, ClinGen allele CA2580099112.

ClinVar aggregate classification (germline): Uncertain significance. Review status: criteria provided, multiple submitters, no conflicts (2 of 4 stars). 2 submissions from 2 submitters: Uncertain significance (2). Last evaluated 2025-04-02.

Conditions:
TBX1-related disorder. Also called: TBX1-related condition; TBX1-Related Disorders.
DiGeorge syndrome. Also called: THIRD AND FOURTH PHARYNGEAL POUCH SYNDROME; Catch22. Identifiers: Orphanet 567, MedGen C0012236, MONDO:0008564, OMIM 188400.

Submissions (2):

PreventionGenetics, part of Exact Sciences
Classification: Uncertain significance for TBX1-related condition. Last evaluated: 2025-04-02. Review status: criteria provided, single submitter. Criteria: ACMG Guidelines, 2015. Collection method: clinical testing. Allele origin: germline.
Comment: The TBX1 c.1334_1348del15 variant is predicted to result in an in-frame deletion (p.Gly445_His449del). This variant was reported in an individual with suspected DiGeorge syndrome; however, the variant was also described in that patient's unaffected brother (Gong et al. 2001. PubMed ID: 11748311). This variant has not been reported in a large population database (gnomAD), indicating this variant is rare. At this time, the clinical significance of this variant is uncertain due to the absence of conclusive functional and genetic evidence.

Labcorp Genetics (formerly Invitae), Labcorp
Classification: Uncertain significance for DiGeorge syndrome. Last evaluated: 2024-12-09. Review status: criteria provided, single submitter. Criteria: Invitae Variant Classification Sherloc (09022015). Collection method: clinical testing. Allele origin: germline.
Comment: This variant, c.1334_1348del, results in the deletion of 5 amino acid(s) of the TBX1 protein (p.Gly445_His449del), but otherwise preserves the integrity of the reading frame. This variant is not present in population databases (gnomAD no frequency). This variant has been observed in individual(s) with DiGeorge syndrome (PMID: 11748311). ClinVar contains an entry for this variant (Variation ID: 2195817). Experimental studies and prediction algorithms are not available or were not evaluated, and the functional significance of this variant is currently unknown. In summary, the available evidence is currently insufficient to determine the role of this variant in disease. Therefore, it has been classified as a Variant of Uncertain Significance.

Literature cited by the submitters: PubMed 11748311 (cited by Labcorp Genetics (formerly Invitae), Labcorp).